The following is an entry in ClinVar:

ClinVar aggregate classification (germline): Benign. Review status: criteria provided, multiple submitters, no conflicts (2 of 4 stars). 3 submissions from 3 submitters: Benign (3). Last evaluated 2020-02-18.

Allele frequency attached by ClinVar (database versions not stated): ESP Exome Variant Server 0.57258; gnomAD 0.59799 and 0.60849; TOPMed 0.59988; 1000 Genomes Project 30x 0.60993; 1000 Genomes Project 0.61741; ExAC 0.69464; gnomAD exomes 0.70285 and 0.71081.
gnomAD v4.1: 1,117,699 of 1,611,040 alleles (69%); highest among the groups gnomAD compares: East Asian, 81%; 395,174 homozygotes.

Submissions (3):

GeneDx
Classification: Benign. Last evaluated: 2020-02-18. Review status: criteria provided, single submitter. Criteria: GeneDx Variant Classification Process June 2021. Collection method: clinical testing. Allele origin: germline. Affected: yes.
Comment: This variant is associated with the following publications: (PMID: 27775096)

Labcorp Genetics (formerly Invitae), Labcorp
Classification: Benign. Last evaluated: 2019-12-31. Review status: criteria provided, single submitter. Criteria: Invitae Variant Classification Sherloc (09022015). Collection method: clinical testing. Allele origin: germline.

Breakthrough Genomics
Classification: Benign. Review status: criteria provided, single submitter. Criteria: ACMG Guidelines, 2015. Collection method: not provided. Allele origin: germline. Inheritance: Autosomal recessive inheritance. Affected: yes.

NM_014439.4(IL37):c.124A>G (p.Thr42Ala)

Gene: IL37 (interleukin 37; plus strand). Cytogenetic location: 2q14.1.
Variant type: single nucleotide variant.
Coding change: c.124A>G on transcript NM_014439.4 (MANE Select); coding-DNA position 124, A replaced by G.
Protein change: p.Thr42Ala; replaces threonine 42 with alanine.
Molecular consequence: missense variant. On other transcripts: intron variant (2).
Genome position (GRCh38, 1-based): chr2:112,913,833, A>G. VCF-style: chr2-112913833-A-G. GRCh37 (hg19) VCF-style: chr2-113671410-A-G.
Other names: c.124A>G, p.Thr42Ala (NM_173204.2); c.82+739A>G (NM_173202.2, NM_173203.2); short protein forms T42A.
Identifiers: ClinVar variation 767816 (VCV000767816.7), dbSNP rs3811047, ClinGen allele CA1837469.